The following is an entry in ClinVar:

NM_001164508.2(NEB):c.22489C>T (p.Arg7497Ter)

Genes: NEB (nebulin; minus strand), RIF1 (replication timing regulatory factor 1; plus strand). Cytogenetic location: 2q23.3.
Variant type: single nucleotide variant.
Coding change: c.22489C>T on transcript NM_001164508.2 (MANE Select); coding-DNA position 22489, C replaced by T.
Protein change: p.Arg7497Ter; replaces arginine 7497 with a stop codon.
Molecular consequence: nonsense.
Genome position (GRCh38, 1-based): chr2:151,519,759, G>A on the plus strand (C>T on the coding strand, the complement: NEB is on the minus strand). VCF-style: chr2-151519759-G-A. GRCh37 (hg19) VCF-style: chr2-152376273-G-A.
Other names: c.17386C>T (NM_004543.4); c.22489C>T, p.Arg7497Ter (NM_001164507.2); c.22594C>T, p.Arg7532Ter (NM_001271208.2); c.17386C>T, p.Arg5796Ter (NM_004543.5); short protein forms R7532*, R7497*, R5796*.
Identifiers: ClinVar variation 556650 (VCV000556650.25), dbSNP rs760935667, ClinGen allele CA1906623.

ClinVar aggregate classification (germline): Pathogenic/Likely pathogenic. Review status: criteria provided, multiple submitters, no conflicts (2 of 4 stars). 10 submissions from 10 submitters: Pathogenic (7); Likely pathogenic (2). 1 of the submissions does not count toward it. Last evaluated 2026-01-12.

Conditions:
Arthrogryposis multiplex congenita 6. Identifiers: MedGen C5543431, MONDO:0030281, OMIM 619334.
Nemaline myopathy 2 (NEM2). Also called: Nemaline myopathy 2, autosomal recessive. Identifiers: MedGen C1850569, MONDO:0009725, OMIM 256030.
Nemaline myopathy. Also called: Myopathies, Nemaline. Identifiers: Orphanet 607, MedGen C0206157, MONDO:0018958.

Allele frequency attached by ClinVar (database versions not stated): ExAC 0.00001; gnomAD 0.00001; gnomAD exomes 0.00001; TOPMed 0.00001.
gnomAD v4.1: 7 of 1,604,630 alleles (0.00044%); highest among the groups gnomAD compares: South Asian, 0.0022%; no homozygotes.

Submissions (10):

Natera, Inc.
Classification: Pathogenic for Nemaline myopathy type 2. Last evaluated: 2026-01-12. Review status: criteria provided, single submitter. Criteria: Natera Variant Classification Schema (03/2026). Collection method: clinical testing. Allele origin: germline.
Comment: The c.22594C>T variant in NEB is a nonsense variant predicted to introduce a stop codon at amino acid 7532. This variant is expected to result in nonsense mediated decay, truncation, or a dysfunctional protein product. This variant is rare in the general population with a frequency below the threshold expected for the associated phenotype(s). This variant has been observed in one or more individuals affected with the associated recessive disease, as either homozygous or compound heterozygous with a second variant (PMID: 25205138). Given the available evidence, this variant is classified as Pathogenic.

Fulgent Genetics
Classification: Pathogenic for Nemaline myopathy 2; Arthrogryposis multiplex congenita 6. Last evaluated: 2024-05-25. Review status: criteria provided, single submitter. Criteria: ACMG Guidelines, 2015. Collection method: clinical testing. Allele origin: germline.

Baylor Genetics
Classification: Pathogenic for Arthrogryposis multiplex congenita 6. Last evaluated: 2023-06-21. Review status: criteria provided, single submitter. Criteria: ACMG Guidelines, 2015. Collection method: clinical testing. Allele origin: unknown.

GeneDx
Classification: Pathogenic. Last evaluated: 2023-05-23. Review status: criteria provided, single submitter. Criteria: GeneDx Variant Classification Process June 2021. Collection method: clinical testing. Allele origin: germline. Affected: yes.
Comment: Identified in a patient with the typical form of nemaline myopathy, although additional clinical information was not included (Lehtokari et al., 2014); Nonsense variant predicted to result in protein truncation or nonsense mediated decay in a gene for which loss of function is a known mechanism of disease; Not observed at significant frequency in large population cohorts (gnomAD); This variant is associated with the following publications: (PMID: 31589614, 25205138)

Labcorp Genetics (formerly Invitae), Labcorp
Classification: Pathogenic for Nemaline myopathy 2. Last evaluated: 2023-04-02. Review status: criteria provided, single submitter. Criteria: Invitae Variant Classification Sherloc (09022015). Collection method: clinical testing. Allele origin: germline.
Comment: For these reasons, this variant has been classified as Pathogenic. This variant is present in population databases (rs760935667, gnomAD 0.003%). This premature translational stop signal has been observed in individual(s) with NEB-related conditions (PMID: 25205138). This variant is also known as p.Arg7497*. ClinVar contains an entry for this variant (Variation ID: 556650). This sequence change creates a premature translational stop signal (p.Arg7532*) in the NEB gene. It is expected to result in an absent or disrupted protein product. Loss-of-function variants in NEB are known to be pathogenic (PMID: 25205138).

Women's Health and Genetics/Laboratory Corporation of America, LabCorp
Classification: Likely pathogenic for Nemaline myopathy. Last evaluated: 2023-03-08. Review status: criteria provided, single submitter. Criteria: LabCorp Variant Classification Summary - May 2015. Collection method: clinical testing. Allele origin: germline.
Comment: Variant summary: NEB c.22594C>T (p.Arg7532X) results in a premature termination codon, predicted to cause a truncation of the encoded protein or absence of the protein due to nonsense mediated decay, which are commonly known mechanisms for disease. Truncations downstream of this position have been classified as pathogenic by our laboratory. The variant allele was found at a frequency of 8e-06 in 248744 control chromosomes (gnomAD). he variant, c.22594C>T, has been reported in the literature in individuals affected with Nemaline Myopathy 2 (Lehtokari_2014). To our knowledge, no experimental evidence demonstrating an impact on protein function has been reported. Six clinical diagnostic laboratories have submitted clinical-significance assessments for this variant to ClinVar after 2014 and all classified the variant as pathogenic/likely pathogenic. Based on the evidence outlined above, the variant was classified as likely pathogenic.

Illumina Laboratory Services, Illumina
Classification: Pathogenic. Last evaluated: 2022-09-27. Review status: criteria provided, single submitter. Criteria: ICSL CNVClassificationCriteria Aug2020. Collection method: clinical testing. Allele origin: unknown. Affected: yes.
Comment: The NEB c.22489C>T (p.Arg7497Ter) nonsense variant results in the substitution of arginine at amino acid position 7497 with a stop codon. Loss of normal protein function through either protein truncation or nonsense-mediated mRNA decay is expected. This variant, also referred to as c.22594C>T (p.Arg7532Ter), has been reported in one individual with nemaline myopathy (PMID: 25205138). This variant is reported in the Genome Aggregation Database in two alleles at a frequency of 0.000008 in the Total population (version 2.1.1). Based on the available evidence, the c.22489C>T (p.Arg7497Ter) variant is classified as pathogenic for nemaline myopathy.

Revvity Omics, Revvity
Classification: Pathogenic. Last evaluated: 2019-11-21. Review status: criteria provided, single submitter. Criteria: ACMG Guidelines, 2015. Collection method: clinical testing. Allele origin: germline.

Genetic Services Laboratory, University of Chicago
Classification: Likely pathogenic. Last evaluated: 2018-07-09. Review status: criteria provided, single submitter. Criteria: ACMG Guidelines, 2015. Collection method: clinical testing. Allele origin: germline. Affected: yes.
Comment: DNA sequence analysis of the NEB gene demonstrated a sequence change, c.17386C>T, which results in the creation of a premature stop codon at amino acid position 5796, p.Arg5796*. This sequence change is predicted to result in an abnormal transcript, which may be degraded, or may lead to the production of a truncated NEB protein with potentially abnormal function.

Counsyl
Classification: Likely pathogenic for Nemaline myopathy 2. Last evaluated: 2018-02-13. Review status: no assertion criteria provided. Collection method: clinical testing. Allele origin: unknown. Not counted in ClinVar's aggregate classification.

Literature cited by the submitters: PubMed 25205138 (cited by 5 submitters).